The following is an entry in ClinVar:

ClinVar aggregate classification (germline): Likely pathogenic (0 of 4 stars; one submission).

Conditions:
Pyruvate dehydrogenase E1-alpha deficiency (PDHAD). Also called: ATAXIA, INTERMITTENT, WITH PYRUVATE DEHYDROGENASE DEFICIENCY; ATAXIA WITH LACTIC ACIDOSIS I; ATAXIA, INTERMITTENT, WITH ABNORMAL PYRUVATE METABOLISM; Ataxia, intermittent, with pyruvate dehydrogenase, or decarboxylase, deficiency. Identifiers: Orphanet 79243, MedGen C1839413, MONDO:0010717, OMIM 312170.

Submission:

PDHA1 Study Group, University Children’s Hospital, Paracelsus Medical University
Classification: Likely pathogenic for Pyruvate dehydrogenase E1-alpha deficiency. Last evaluated: 2024-10-15. Review status: no assertion criteria provided. Collection method: research. Allele origin: germline. Affected: yes. Observed: 1 variant allele.
Comment: The NM_000284.3:c.499G>T (p.Val167Leu) substitution is a missense variant in PDHA1 gene. Last literature search: July 12, 2024. This variant is absent or extremely rare in population-based cohorts in the Genome Aggregation Database (gnomAD). Individuals harboring this variant presented with clinical features compatible with PDHA1-related PDHc deficiency. In summary, this variant meets criteria to be classified as likely pathogenic (LP) for PDHA1-related PDHc deficiency based on the ACMG/AMP criteria applied: PS3, PM2, PP3 (last assessment October 15, 2024).

Literature cited by the submitters: DOI 10.1093/brain/awaf430.

NM_000284.4(PDHA1):c.499G>T (p.Val167Leu)

Gene: PDHA1 (pyruvate dehydrogenase E1 subunit alpha 1; plus strand). Cytogenetic location: Xp22.12.
Variant type: single nucleotide variant.
Coding change: c.499G>T on transcript NM_000284.4 (MANE Select); coding-DNA position 499, G replaced by T.
Protein change: p.Val167Leu; replaces valine 167 with leucine.
Molecular consequence: missense variant.
Genome position (GRCh38, 1-based): chrX:19,353,162, G>T. VCF-style: chrX-19353162-G-T. GRCh37 (hg19) VCF-style: chrX-19371280-G-T.
Other names: c.613G>T, p.Val205Leu (NM_001173454.2); c.520G>T, p.Val174Leu (NM_001173455.2); c.499G>T, p.Val167Leu (NM_001173456.2); short protein forms V167L, V174L, V205L.
Identifiers: ClinVar variation 4070332 (VCV004070332.1).